The following is an entry in ClinVar:

NC_000001.10:g.(?_4715486)_(6012896_?)dup

Genes: AJAP1 (adherens junctions associated protein 1; plus strand), NPHP4 (nephrocystin 4; minus strand). Cytogenetic location: 1p36.32-36.31.
Variant type: Duplication.
Identifiers: ClinVar variation 1047438 (VCV001047438.5).

ClinVar aggregate classification (germline): Uncertain significance (1 of 4 stars; one submission).

Conditions:
Nephronophthisis. Also called: Juvenile Nephronophthisis. Identifiers: Orphanet 655, MedGen C0687120, MONDO:0019005, HP:0000090.

Submission:

Labcorp Genetics (formerly Invitae), Labcorp
Classification: Uncertain significance for Nephronophthisis. Last evaluated: 2021-04-08. Review status: criteria provided, single submitter. Criteria: Invitae Variant Classification Sherloc (09022015). Collection method: clinical testing. Allele origin: germline.
Comment: In summary, the available evidence is currently insufficient to determine the role of this variant in disease. Therefore, it has been classified as a Variant of Uncertain Significance. This variant has not been reported in the literature in individuals with NPHP4-related conditions. This variant results in a copy number gain of the genomic region encompassing exons 7-30 of the NPHP4 gene. The 5' boundary is likely confined to intron 6. The 3' end of this event is unknown as it extends beyond the assayed region for this gene and therefore may encompass additional genes. As the precise location of this event is unknown, it may be in tandem or it may be located elsewhere in the genome.